The following is an entry in ClinVar:

NM_002834.5(PTPN11):c.1404G>C (p.Thr468=)

Gene: PTPN11 (protein tyrosine phosphatase non-receptor type 11; plus strand). Cytogenetic location: 12q24.13.
Variant type: single nucleotide variant.
Coding change: c.1404G>C on transcript NM_002834.5 (MANE Select); coding-DNA position 1404, G replaced by C.
Protein change: p.Thr468=; no amino-acid change (threonine 468 retained).
Molecular consequence: synonymous variant.
Genome position (GRCh38, 1-based): chr12:112,488,467, G>C. VCF-style: chr12-112488467-G-C. GRCh37 (hg19) VCF-style: chr12-112926271-G-C.
Other names: p.T468T:ACG>ACC; c.1416G>C, p.Thr472= (NM_001330437.2); c.1401G>C, p.Thr467= (NM_001374625.1).
Identifiers: ClinVar variation 138840 (VCV000138840.15), dbSNP rs587781130, ClinGen allele CA292969.

ClinVar aggregate classification (germline): Benign/Likely benign. Review status: criteria provided, multiple submitters, no conflicts (2 of 4 stars). 4 submissions from 4 submitters: Benign (1); Likely benign (3). Last evaluated 2025-04-02.

Conditions:
Cardiovascular phenotype. Identifiers: MedGen CN230736.
RASopathy. Also called: rasopathies; Noonan spectrum disorder. Identifiers: Orphanet 536391, MedGen C5555857, MONDO:0021060.

Allele frequency attached by ClinVar (database versions not stated): gnomAD 0.00003.
gnomAD v4.1: 1 of 1,613,048 alleles (0.000062%); highest among the groups gnomAD compares: South Asian, 0.0011%; no homozygotes.

Submissions (4):

Labcorp Genetics (formerly Invitae), Labcorp
Classification: Likely benign for RASopathy. Last evaluated: 2025-04-02. Review status: criteria provided, single submitter. Criteria: Invitae Variant Classification Sherloc (09022015). Collection method: clinical testing. Allele origin: germline.

Ambry Genetics
Classification: Likely benign for Cardiovascular phenotype. Last evaluated: 2022-07-06. Review status: criteria provided, single submitter. Criteria: Ambry Variant Classification Scheme 2023. Collection method: clinical testing. Allele origin: germline.

Genetic Services Laboratory, University of Chicago
Classification: Likely benign. Last evaluated: 2017-05-02. Review status: criteria provided, single submitter. Criteria: ACMG Guidelines, 2015. Collection method: clinical testing. Allele origin: germline. Affected: no.

GeneDx
Classification: Benign. Last evaluated: 2013-07-18. Review status: criteria provided, single submitter. Criteria: GeneDx Variant Classification (06012015). Collection method: clinical testing. Allele origin: germline. Affected: yes.
Comment: This variant is considered likely benign or benign based on one or more of the following criteria: it is a conservative change, it occurs at a poorly conserved position in the protein, it is predicted to be benign by multiple in silico algorithms, and/or has population frequency not consistent with disease.